The following is an entry in ClinVar:

ClinVar aggregate classification (germline): Likely pathogenic (1 of 4 stars; one submission).

Conditions:
Dilated cardiomyopathy 1G (CMD1G). Identifiers: Orphanet 154, MedGen C1858763, MONDO:0011400, OMIM 604145.
Autosomal recessive limb-girdle muscular dystrophy type 2J (LGMDR10). Also called: MUSCULAR DYSTROPHY, LIMB-GIRDLE, AUTOSOMAL RECESSIVE 10; Limb-girdle muscular dystrophy, type 2J. Identifiers: Orphanet 140922, MedGen C1837342, MONDO:0012127, OMIM 608807.

Submission:

Labcorp Genetics (formerly Invitae), Labcorp
Classification: Likely pathogenic for Dilated cardiomyopathy 1G; Autosomal recessive limb-girdle muscular dystrophy type 2J. Last evaluated: 2024-10-18. Review status: criteria provided, single submitter. Criteria: Invitae Variant Classification Sherloc (09022015). Collection method: clinical testing. Allele origin: germline.
Comment: This sequence change affects an acceptor splice site in intron 131 of the TTN gene. It is expected to disrupt RNA splicing and likely results in a truncated or disrupted TTN protein. This variant is not present in population databases (gnomAD no frequency). This variant has not been reported in the literature in individuals affected with TTN-related conditions. ClinVar contains an entry for this variant (Variation ID: 1431734). Algorithms developed to predict the effect of sequence changes on RNA splicing suggest that this variant may disrupt the consensus splice site. This variant is located in the I band of TTN (PMID: 25589632). Truncating variants in this region have been reported in individuals affected with autosomal recessive centronuclear myopathy (PMID: 23975875, internal data). Truncating variants in this region have also been identified in individuals affected with autosomal dominant dilated cardiomyopathy and/or cardio-related conditions (PMID: 27869827, 32964742, internal data). In summary, the currently available evidence indicates that the variant is pathogenic, but additional data are needed to prove that conclusively. Therefore, this variant has been classified as Likely Pathogenic.

Literature cited by the submitters: PubMed 25589632; PubMed 23975875; PubMed 27869827; PubMed 32964742.

NM_001267550.2(TTN):c.32639-2A>C

Gene: TTN (titin; minus strand). Cytogenetic location: 2q31.2.
Variant type: single nucleotide variant.
Coding change: c.32639-2A>C on transcript NM_001267550.2 (MANE Select); the canonical splice acceptor site of the intron before coding-DNA position 32639, A replaced by C.
Molecular consequence: splice acceptor variant. On other transcripts: intron variant (3).
Genome position (GRCh38, 1-based): chr2:178,684,415, T>G on the plus strand (A>C on the coding strand, the complement: TTN is on the minus strand). VCF-style: chr2-178684415-T-G. GRCh37 (hg19) VCF-style: chr2-179549142-T-G.
Other names: c.13283-42098A>C (NM_003319.4); c.13859-42098A>C (NM_133437.4); c.13658-42098A>C (NM_133432.3); c.28907-2A>C (NM_133378.4); c.31688-2A>C (NM_001256850.1).
Identifiers: ClinVar variation 1431734 (VCV001431734.6), dbSNP rs2154274686, ClinGen allele CA349546491.